The following is an entry in ClinVar:

ClinVar aggregate classification (germline): Pathogenic (1 of 4 stars; one submission).

Conditions:
POLG-related disorder. Also called: POLG-related condition; POLG-Related Disorders; POLG-Related Spectrum Disorders. Identifiers: MedGen C4763519.

Submission:

Myriad Genetics, Inc.
Classification: Pathogenic for POLG-related disorder. Last evaluated: 2026-07-06. Review status: criteria provided, single submitter. Criteria: Myriad Autosomal Dominant, Autosomal Recessive and X-Linked Classification Criteria (2023). Collection method: clinical testing. Allele origin: unknown.
Comment: NM_002693.2(POLG):c.338G>A(W113*) is a nonsense variant classified as pathogenic in the context of POLG-related disorders. W113* has not been observed in cases with relevant disease. Relevant functional assessments of this variant are not available in the literature. W113* has not been observed in referenced population frequency databases. In summary, NM_002693.2(POLG):c.338G>A(W113*) is a nonsense variant in a gene where loss of function is a known mechanism of disease and is predicted to disrupt protein function. Please note: this variant was assessed in the context of healthy population screening.

NM_002693.3(POLG):c.338G>A (p.Trp113Ter)

Genes: POLG (DNA polymerase gamma, catalytic subunit; minus strand), POLGARF (POLG alternative reading frame; minus strand). Cytogenetic location: 15q26.1.
Variant type: single nucleotide variant.
Coding change: c.338G>A on transcript NM_002693.3 (MANE Select); coding-DNA position 338, G replaced by A.
Protein change: p.Trp113Ter; replaces tryptophan 113 with a stop codon.
Molecular consequence: nonsense. On other transcripts: synonymous variant (1).
Genome position (GRCh38, 1-based): chr15:89,333,417, C>T on the plus strand (G>A on the coding strand, the complement: POLG is on the minus strand). VCF-style: chr15-89333417-C-T. GRCh37 (hg19) VCF-style: chr15-89876648-C-T.
Other names: c.393G>A, p.Leu131= (NM_001430120.1); c.338G>A, p.Trp113Ter (NM_001126131.2); short protein forms W113*.
Identifiers: ClinVar variation 5004777 (VCV005004777.1).